The following is an entry in ClinVar:

ClinVar aggregate classification (germline): Pathogenic. Review status: criteria provided, multiple submitters, no conflicts (2 of 4 stars). 2 submissions from 2 submitters: Pathogenic (2). Last evaluated 2016-08-23.

Conditions:
Severe myoclonic epilepsy in infancy (DRVT). Also called: Epileptic encephalopathy, early infantile, 6 (Dravet syndrome); SEVERE MYOCLONIC EPILEPSY OF INFANCY; DEVELOPMENTAL AND EPILEPTIC ENCEPHALOPATHY 6A; Severe Myoclonic Epilepsy in Infancy (SMEI); Dravet syndrome. Identifiers: Orphanet 33069, MedGen C0751122, MONDO:0100135, OMIM 607208.

Submissions (2):

GeneDx
Classification: Pathogenic. Last evaluated: 2016-08-23. Review status: criteria provided, single submitter. Criteria: GeneDx Variant Classification (06012015). Collection method: clinical testing. Allele origin: germline. Affected: yes.
Comment: The K1517X nonsense variant in the SCN1A gene is predicted to cause loss of normal protein function either through protein truncation or nonsense-mediated mRNA decay. Furthermore, the K1517X variant was not observed in approximately 6,500 individuals of European and African American ancestry in the NHLBI Exome Sequencing Project, indicating it is not a common benign variant in these populations. Although this pathogenic variant has not been previously reported to our knowledge, other nonsense variants downstream of this position have been reported in the Human Gene Mutation Database in association with SCN1A-related disorders (Stenson et al., 2014).

Center for Bioinformatics, Peking University
Classification: Pathogenic for Dravet syndrome. Last evaluated: 2014-12-20. Review status: criteria provided, single submitter. Criteria: Xu et al. (Hum Mutat. 2015). Collection method: research. Allele origin: de novo. Affected: yes. Observed: 1 variant allele. Study: University Clinical Cooperation “985 Project” PKU-2014-1-1.
Comment: Dravet syndrome (DS) probands were recruited from the outpatient and inpatient child neurology units of Peking University First Hospital from 2005 till present. The study was approved by the Ethics Committee of Peking University First Hospital and the Institutional Review Board at Peking University. Participants or their parents provided written informed consent before enrollment. We collected a total of 267 mutations from 255 families with probands diagnosed with DS in China. All probands fulfilled the clinical diagnostic criteria.

NM_001165963.4(SCN1A):c.4549A>T (p.Lys1517Ter)

Genes: SCN1A (sodium voltage-gated channel alpha subunit 1; minus strand), LOC102724058 (uncharacterized LOC102724058; plus strand). Cytogenetic location: 2q24.3.
Variant type: single nucleotide variant.
Coding change: c.4549A>T on transcript NM_001165963.4 (MANE Select); coding-DNA position 4549, A replaced by T.
Protein change: p.Lys1517Ter; replaces lysine 1517 with a stop codon.
Molecular consequence: nonsense. On other transcripts: non-coding transcript variant (1).
Genome position (GRCh38, 1-based): chr2:165,996,045, T>A on the plus strand (A>T on the coding strand, the complement: SCN1A is on the minus strand). VCF-style: chr2-165996045-T-A. GRCh37 (hg19) VCF-style: chr2-166852555-T-A.
Other names: c.4465A>T, p.Lys1489Ter (NM_001165964.3, NM_001353957.2, NM_001353958.2); c.4549A>T, p.Lys1517Ter (NM_001202435.3, NM_001353948.2); c.4516A>T, p.Lys1506Ter (NM_001353949.2, NM_001353950.2, NM_001353951.2 and 2 more transcripts); c.4513A>T, p.Lys1505Ter (NM_001353954.2, NM_001353955.2); c.4462A>T, p.Lys1488Ter (NM_001353960.2); c.2107A>T, p.Lys703Ter (NM_001353961.2); short protein forms K1506*, K1517*, K703*, K1505*, K1488*, K1489*.
Identifiers: ClinVar variation 190007 (VCV000190007.2), dbSNP rs794726835, ClinGen allele CA303535.